The following is an entry in ClinVar:

ClinVar aggregate classification (germline): Uncertain significance (1 of 4 stars; one submission).

Allele frequency attached by ClinVar (database versions not stated): gnomAD 0.00001; gnomAD exomes 0.00001; TOPMed 0.00001.
gnomAD v4.1: 11 of 1,614,008 alleles (0.00068%); highest among the groups gnomAD compares: Middle Eastern, 0.016%; no homozygotes.

Submission:

GeneDx
Classification: Uncertain significance. Last evaluated: 2022-04-05. Review status: criteria provided, single submitter. Criteria: GeneDx Variant Classification Process June 2021. Collection method: clinical testing. Allele origin: germline. Affected: yes.
Comment: In silico analysis supports that this missense variant does not alter protein structure/function; Has not been previously published as pathogenic or benign to our knowledge

NM_014991.6(WDFY3):c.3421A>G (p.Ile1141Val)

Gene: WDFY3 (WD repeat and FYVE domain containing 3; minus strand). Cytogenetic location: 4q21.23.
Variant type: single nucleotide variant.
Coding change: c.3421A>G on transcript NM_014991.6 (MANE Select); coding-DNA position 3421, A replaced by G.
Protein change: p.Ile1141Val; replaces isoleucine 1141 with valine.
Molecular consequence: missense variant.
Genome position (GRCh38, 1-based): chr4:84,794,585, T>C on the plus strand (A>G on the coding strand, the complement: WDFY3 is on the minus strand). VCF-style: chr4-84794585-T-C. GRCh37 (hg19) VCF-style: chr4-85715738-T-C.
Other names: short protein forms I1141V.
Identifiers: ClinVar variation 1710600 (VCV001710600.2), dbSNP rs985837738, ClinGen allele CA100712774.
Genomic context (GRCh38, chr4:84,794,585, plus strand): 5'-TTTGGAGGAGTTCCTCTTTGGTGGAAACAATCAGAGATCGGTCTTTTGCTGATAGAACTA[T>C]TGCAAGGCACACGTAATGTTGCTCAGAAGAATTTGCTCGGCGCACAACAGTAAGAAGTCT-3'
Protein context (NP_055806.2, residues 1131-1151): SSEQHYVCLA[Ile1141Val]VLSAKDRSLI